The following is an entry in ClinVar:

NM_001365999.1(SZT2):c.805G>T (p.Val269Leu)

Gene: SZT2 (SZT2 subunit of KICSTOR complex; plus strand). Cytogenetic location: 1p34.2.
Variant type: single nucleotide variant.
Coding change: c.805G>T on transcript NM_001365999.1 (MANE Select); coding-DNA position 805, G replaced by T.
Protein change: p.Val269Leu; replaces valine 269 with leucine.
Molecular consequence: missense variant.
Genome position (GRCh38, 1-based): chr1:43,416,567, G>T. VCF-style: chr1-43416567-G-T. GRCh37 (hg19) VCF-style: chr1-43882238-G-T.
Other names: c.805G>T, p.Val269Leu (NM_015284.4); short protein forms V269L.
Identifiers: ClinVar variation 1517102 (VCV001517102.6), dbSNP rs774024938, ClinGen allele CA808276.

ClinVar aggregate classification (germline): Uncertain significance (1 of 4 stars; one submission).

Allele frequency attached by ClinVar (database versions not stated): gnomAD exomes below 0.00001; ExAC 0.00001.
gnomAD v4.1: 6 of 1,598,366 alleles (0.00038%); highest among the groups gnomAD compares: Non-Finnish European, 0.00051%; no homozygotes.

Submission:

Labcorp Genetics (formerly Invitae), Labcorp
Classification: Uncertain significance. Last evaluated: 2022-08-31. Review status: criteria provided, single submitter. Criteria: Invitae Variant Classification Sherloc (09022015). Collection method: clinical testing. Allele origin: germline.
Comment: Algorithms developed to predict the effect of missense changes on protein structure and function (SIFT, PolyPhen-2, Align-GVGD) all suggest that this variant is likely to be tolerated. In summary, the available evidence is currently insufficient to determine the role of this variant in disease. Therefore, it has been classified as a Variant of Uncertain Significance. This variant has not been reported in the literature in individuals affected with SZT2-related conditions. ClinVar contains an entry for this variant (Variation ID: 1517102). This sequence change replaces valine, which is neutral and non-polar, with leucine, which is neutral and non-polar, at codon 269 of the SZT2 protein (p.Val269Leu). This variant is present in population databases (rs774024938, gnomAD 0.001%).